The following is an entry in ClinVar:

NM_001211.6(BUB1B):c.854C>A (p.Ala285Glu)

Gene: BUB1B (BUB1 mitotic checkpoint serine/threonine kinase B; plus strand). Cytogenetic location: 15q15.1.
Variant type: single nucleotide variant.
Coding change: c.854C>A on transcript NM_001211.6 (MANE Select); coding-DNA position 854, C replaced by A.
Protein change: p.Ala285Glu; replaces alanine 285 with glutamic acid.
Molecular consequence: missense variant.
Genome position (GRCh38, 1-based): chr15:40,185,267, C>A. VCF-style: chr15-40185267-C-A. GRCh37 (hg19) VCF-style: chr15-40477468-C-A.
Other names: short protein forms A285E.
Identifiers: ClinVar variation 2137043 (VCV002137043.5), dbSNP rs891396491, ClinGen allele CA268783598.

ClinVar aggregate classification (germline): Uncertain significance. Review status: criteria provided, multiple submitters, no conflicts (2 of 4 stars). 2 submissions from 2 submitters: Uncertain significance (2). Last evaluated 2025-08-09.

Conditions:
Inborn genetic diseases. Identifiers: MedGen C0950123, MeSH D030342.
Mosaic variegated aneuploidy syndrome 1 (MVA1). Also called: Warburton-Anyane-Yeboa syndrome. Identifiers: Orphanet 1052, MedGen C1850343, MONDO:0009759, OMIM 257300.

Allele frequency attached by ClinVar (database versions not stated): gnomAD exomes below 0.00001; gnomAD 0.00003; TOPMed 0.00008.

Submissions (2):

Labcorp Genetics (formerly Invitae), Labcorp
Classification: Uncertain significance for Mosaic variegated aneuploidy syndrome 1. Last evaluated: 2025-08-09. Review status: criteria provided, single submitter. Criteria: Invitae Variant Classification Sherloc (09022015). Collection method: clinical testing. Allele origin: germline.
Comment: This sequence change replaces alanine, which is neutral and non-polar, with glutamic acid, which is acidic and polar, at codon 285 of the BUB1B protein (p.Ala285Glu). This variant is not present in population databases (gnomAD no frequency). This variant has not been reported in the literature in individuals affected with BUB1B-related conditions. ClinVar contains an entry for this variant (Variation ID: 2137043). An algorithm developed to predict the effect of missense changes on protein structure and function outputs the following: PolyPhen-2: "Benign". The glutamic acid amino acid residue is found in multiple mammalian species, which suggests that this missense change does not adversely affect protein function. In summary, the available evidence is currently insufficient to determine the role of this variant in disease. Therefore, it has been classified as a Variant of Uncertain Significance.

Ambry Genetics
Classification: Uncertain significance for Inborn genetic diseases. Last evaluated: 2023-11-03. Review status: criteria provided, single submitter. Criteria: Ambry Variant Classification Scheme 2023. Collection method: clinical testing. Allele origin: germline.